The following is an entry in ClinVar:

NM_015215.4(CAMTA1):c.1287G>C (p.Gln429His)

Gene: CAMTA1 (calmodulin binding transcription activator 1; plus strand). Cytogenetic location: 1p36.23.
Variant type: single nucleotide variant.
Coding change: c.1287G>C on transcript NM_015215.4 (MANE Select); coding-DNA position 1287, G replaced by C.
Protein change: p.Gln429His; replaces glutamine 429 with histidine.
Molecular consequence: missense variant.
Genome position (GRCh38, 1-based): chr1:7,663,834, G>C. VCF-style: chr1-7663834-G-C. GRCh37 (hg19) VCF-style: chr1-7723894-G-C.
Other names: c.1197G>C, p.Gln399His (NM_001349608.2, NM_001349612.2); c.1287G>C, p.Gln429His (NM_001349609.2, NM_001349610.2, NM_001410737.1); c.1215G>C, p.Gln405His (NM_001410738.1); short protein forms Q405H, Q429H, Q399H.
Identifiers: ClinVar variation 2789261 (VCV002789261.3), dbSNP rs2523713829, ClinGen allele CA338126604.

ClinVar aggregate classification (germline): Uncertain significance (1 of 4 stars; one submission).

Submission:

Labcorp Genetics (formerly Invitae), Labcorp
Classification: Uncertain significance. Last evaluated: 2023-01-03. Review status: criteria provided, single submitter. Criteria: Invitae Variant Classification Sherloc (09022015). Collection method: clinical testing. Allele origin: germline.
Comment: In summary, the available evidence is currently insufficient to determine the role of this variant in disease. Therefore, it has been classified as a Variant of Uncertain Significance. Algorithms developed to predict the effect of missense changes on protein structure and function are either unavailable or do not agree on the potential impact of this missense change (SIFT: "Tolerated"; PolyPhen-2: "Probably Damaging"; Align-GVGD: "Class C0"). This variant has not been reported in the literature in individuals affected with CAMTA1-related conditions. This variant is not present in population databases (gnomAD no frequency). This sequence change replaces glutamine, which is neutral and polar, with histidine, which is basic and polar, at codon 429 of the CAMTA1 protein (p.Gln429His).